The following is an entry in ClinVar:

ClinVar aggregate classification (germline): Uncertain significance. Review status: criteria provided, multiple submitters, no conflicts (2 of 4 stars). 2 submissions from 2 submitters: Uncertain significance (2). Last evaluated 2024-10-22.

Submissions (2):

GeneDx
Classification: Uncertain significance. Last evaluated: 2024-10-22. Review status: criteria provided, single submitter. Criteria: GeneDx Variant Classification Process June 2021. Collection method: clinical testing. Allele origin: germline. Affected: yes.
Comment: Not observed at significant frequency in large population cohorts (gnomAD); Frameshift variant predicted to result in abnormal protein length as the last 459 amino acid(s) are replaced with 2 different amino acid(s); Has not been previously published as pathogenic or benign to our knowledge

Labcorp Genetics (formerly Invitae), Labcorp
Classification: Uncertain significance. Last evaluated: 2022-08-05. Review status: criteria provided, single submitter. Criteria: Invitae Variant Classification Sherloc (09022015). Collection method: clinical testing. Allele origin: germline.
Comment: This sequence change creates a premature translational stop signal (p.Arg222Lysfs*3) in the COL10A1 gene. While this is not anticipated to result in nonsense mediated decay, it is expected to disrupt the last 459 amino acid(s) of the COL10A1 protein. In summary, the available evidence is currently insufficient to determine the role of this variant in disease. Therefore, it has been classified as a Variant of Uncertain Significance. Experimental studies and prediction algorithms are not available or were not evaluated, and the functional significance of this variant is currently unknown. This premature translational stop signal has been observed in individual(s) with clinical features of metaphyseal chondrodysplasia (Invitae). This variant is not present in population databases (gnomAD no frequency).

NM_000493.4(COL10A1):c.664dup (p.Arg222fs)

Genes: COL10A1 (collagen type X alpha 1 chain; minus strand), NT5DC1 (5'-nucleotidase domain containing 1; plus strand). Cytogenetic location: 6q22.1.
Variant type: Duplication.
Coding change: c.664dup on transcript NM_000493.4 (MANE Select); coding-DNA position 664, one base duplicated (A; older notation c.664dupA).
Protein change: p.Arg222fs; shifts the reading frame from arginine 222.
Molecular consequence: frameshift variant. On other transcripts: intron variant (1).
Genome position (GRCh38, 1-based): chr6:116,121,452, T duplicated on the plus strand (A on the coding strand, the reverse complement: COL10A1 is on the minus strand); the first of 5 consecutive T bases (chr6:116,121,452-116,121,456); duplicating any one gives the same sequence. VCF-style (leftmost placement, unchanged base first): chr6-116121451-C-CT. GRCh37 (hg19) VCF-style: chr6-116442614-C-CT.
Other names: c.664dup, p.Arg222fs (NM_001424106.1, NM_001424107.1); c.529+3511dup (NM_152729.3); c.664dup (NM_000493.3); short protein forms R222fs.
Identifiers: ClinVar variation 1982455 (VCV001982455.5), dbSNP rs1779122243, ClinGen allele CA1093490054.